The following is an entry in ClinVar:

NM_006946.4(SPTBN2):c.5465A>G (p.Gln1822Arg)

Gene: SPTBN2 (spectrin beta, non-erythrocytic 2; minus strand). Cytogenetic location: 11q13.2.
Variant type: single nucleotide variant.
Coding change: c.5465A>G on transcript NM_006946.4 (MANE Select); coding-DNA position 5465, A replaced by G.
Protein change: p.Gln1822Arg; replaces glutamine 1822 with arginine.
Molecular consequence: missense variant.
Genome position (GRCh38, 1-based): chr11:66,691,384, T>C on the plus strand (A>G on the coding strand, the complement: SPTBN2 is on the minus strand). VCF-style: chr11-66691384-T-C. GRCh37 (hg19) VCF-style: chr11-66458855-T-C.
Other names: c.5486A>G, p.Gln1829Arg (NM_001411025.1); c.5465A>G, p.Gln1822Arg (NM_001437541.1); short protein forms Q1822R, Q1829R.
Identifiers: ClinVar variation 4822348 (VCV004822348.4).

ClinVar aggregate classification (germline): Uncertain significance (1 of 4 stars; one submission).

Submission:

CeGaT Center for Human Genetics Tuebingen
Classification: Uncertain significance. Last evaluated: 2026-03-01. Review status: criteria provided, single submitter. Criteria: CeGaT Center For Human Genetics Tuebingen Variant Classification Criteria Version 2. Collection method: clinical testing. Allele origin: germline. Affected: yes. Observed: 1 variant allele.
Comment: SPTBN2: PM2, PS2:Supporting